The following is an entry in ClinVar:

NM_001283009.2(RTEL1):c.1801-3C>T

Genes: RTEL1 (regulator of telomere elongation helicase 1; plus strand), RTEL1-TNFRSF6B (RTEL1-TNFRSF6B readthrough (NMD candidate); plus strand). Cytogenetic location: 20q13.33.
Variant type: single nucleotide variant.
Coding change: c.1801-3C>T on transcript NM_001283009.2 (MANE Select); 3 bases into the intron before coding-DNA position 1801, C replaced by T.
Molecular consequence: intron variant.
Genome position (GRCh38, 1-based): chr20:63,689,052, C>T. VCF-style: chr20-63689052-C-T. GRCh37 (hg19) VCF-style: chr20-62320405-C-T.
Other names: c.1132-3C>T (NM_001283010.1); c.1873-3C>T (NM_032957.5); c.1801-3C>T (NM_016434.4).
Identifiers: ClinVar variation 3753144 (VCV003753144.2).
Genomic context (GRCh38, chr20:63,689,052, plus strand): 5'-CTCATGGGGGAGGAAGGGGCTGGGGGGGGGCTCCAGGCTCAGCCTCACCAACTTTCCTTC[C>T]AGACCATCAGTGCTTACTATGCAAGGGTTGCCGCCCCTGGGTCCACCGGCGCCACCTTCC-3'

ClinVar aggregate classification (germline): Uncertain significance (1 of 4 stars; one submission).

Conditions:
Dyskeratosis congenita, autosomal recessive 5 (DKCB5). Identifiers: MedGen C3554656, MONDO:0014076, OMIM 615190.
Pulmonary fibrosis and/or bone marrow failure, Telomere-related, 3. Also called: PULMONARY FIBROSIS AND/OR BONE MARROW FAILURE SYNDROME, TELOMERE-RELATED, 3. Identifiers: Orphanet 2032, MedGen C4225346, MONDO:0014613, OMIM 616373.

gnomAD v4.1: 3 of 1,610,642 alleles (0.00019%); highest among the groups gnomAD compares: East Asian, 0.0045%; no homozygotes.

Submission:

Labcorp Genetics (formerly Invitae), Labcorp
Classification: Uncertain significance for Dyskeratosis congenita, autosomal recessive 5; Pulmonary fibrosis and/or bone marrow failure, Telomere-related, 3. Last evaluated: 2025-04-17. Review status: criteria provided, single submitter. Criteria: Invitae Variant Classification Sherloc (09022015). Collection method: clinical testing. Allele origin: germline.
Comment: This sequence change falls in intron 21 of the RTEL1 gene. It does not directly change the encoded amino acid sequence of the RTEL1 protein. It affects a nucleotide within the consensus splice site. This variant is not present in population databases (gnomAD no frequency). This variant has not been reported in the literature in individuals affected with RTEL1-related conditions. ClinVar contains an entry for this variant (Variation ID: 3753144). Variants that disrupt the consensus splice site are a relatively common cause of aberrant splicing (PMID: 17576681, 9536098). Algorithms developed to predict the effect of sequence changes on RNA splicing suggest that this variant is not likely to affect RNA splicing. In summary, the available evidence is currently insufficient to determine the role of this variant in disease. Therefore, it has been classified as a Variant of Uncertain Significance.

Literature cited by the submitters: PubMed 17576681; PubMed 9536098.